The following is an entry in ClinVar:

ClinVar aggregate classification (germline): Likely pathogenic (1 of 4 stars; one submission).

Conditions:
Intellectual developmental disorder, autosomal dominant 44, with microcephaly. Also called: Micrognathia-recurrent infections-behavioral abnormalities-mild intellectual disability syndrome; TRIO-Related Intellectual Disability. Identifiers: Orphanet 476126, MedGen C4310740, MONDO:0014892, OMIM 617061.

Allele frequency attached by ClinVar (database versions not stated): gnomAD exomes below 0.00001.
gnomAD v4.1: 1 of 1,614,074 alleles (0.000062%); highest among the groups gnomAD compares: Non-Finnish European, 0.000085%; no homozygotes.

Submission:

Institute of Human Genetics, University of Leipzig Medical Center
Classification: Likely pathogenic for Intellectual developmental disorder, autosomal dominant 44, with microcephaly. Last evaluated: 2022-11-09. Review status: criteria provided, single submitter. Criteria: ACMG Guidelines, 2015. Collection method: clinical testing. Allele origin: maternal. Affected: yes.
Comment: _x000D_ Criteria applied: PVS1, PM2_SUP

NM_007118.4(TRIO):c.298C>T (p.Arg100Ter)

Gene: TRIO (trio Rho guanine nucleotide exchange factor; plus strand). Cytogenetic location: 5p15.2.
Variant type: single nucleotide variant.
Coding change: c.298C>T on transcript NM_007118.4 (MANE Select); coding-DNA position 298, C replaced by T.
Protein change: p.Arg100Ter; replaces arginine 100 with a stop codon.
Molecular consequence: nonsense. On other transcripts: non-coding transcript variant (1).
Genome position (GRCh38, 1-based): chr5:14,280,387, C>T. VCF-style: chr5-14280387-C-T. GRCh37 (hg19) VCF-style: chr5-14280496-C-T.
Other names: short protein forms R100*.
Identifiers: ClinVar variation 1804114 (VCV001804114.1), dbSNP rs2532073497, ClinGen allele CA359198741.